The following is an entry in ClinVar:

ClinVar aggregate classification (germline): Pathogenic (1 of 4 stars; one submission).

Submission:

ARUP Laboratories, Molecular Genetics and Genomics, ARUP Laboratories
Classification: Pathogenic. Last evaluated: 2019-01-15. Review status: criteria provided, single submitter. Criteria: ARUP Molecular Germline Variant Investigation Process. Collection method: clinical testing. Allele origin: germline.
Comment: The SPTB c.4058del; p.Lys1353fs variant, to our knowledge, is not reported in the medical literature or gene specific databases. This variant is also absent from general population databases (1000 Genomes Project, Exome Variant Server, and Genome Aggregation Database), indicating it is not a common polymorphism. This variant causes a frameshift by deleting a single nucleotide, so it is predicted to result in a truncated protein or mRNA subject to nonsense-mediated decay. Based on available information, this variant is considered to be pathogenic.

NM_001355436.2(SPTB):c.4058del (p.Lys1353fs)

Gene: SPTB (spectrin beta, erythrocytic; minus strand). Cytogenetic location: 14q23.3.
Variant type: Deletion.
Coding change: c.4058del on transcript NM_001355436.2 (MANE Select); coding-DNA position 4058, one base deleted (A; older notation c.4058delA).
Protein change: p.Lys1353fs; shifts the reading frame from lysine 1353.
Molecular consequence: frameshift variant.
Genome position (GRCh38, 1-based): chr14:64,782,498, T deleted on the plus strand (A on the coding strand, the reverse complement: SPTB is on the minus strand); the first of 4 consecutive T bases (chr14:64,782,498-64,782,501); deleting any one gives the same sequence. VCF-style (leftmost placement, unchanged base first): chr14-64782497-CT-C. GRCh37 (hg19) VCF-style: chr14-65249215-CT-C.
Other names: c.4058del, p.Lys1353fs (NM_001024858.4, NM_001355437.2); short protein forms K1353fs.
Identifiers: ClinVar variation 811255 (VCV000811255.8), dbSNP rs1594770057, ClinGen allele CA915948837.